The following is an entry in ClinVar:

NM_001365454.2(LOC101928764):c.263delG (p.Ser88Thrfs)

Gene: LOC101928764 (coiled-coil domain-containing protein 144B; minus strand). Cytogenetic location: 13q12.11.
Variant type: Deletion.
Coding change: c.263delG on transcript NM_001365454.2; coding-DNA position 263, one base deleted (G).
Protein change: p.Ser88Thrfs; shifts the reading frame from serine 88.
Molecular consequence: frameshift variant. On other transcripts: non-coding transcript variant (10).
Genome position (GRCh38, 1-based): chr13:21,287,821, C deleted on the plus strand (G on the coding strand, the reverse complement: LOC101928764 is on the minus strand). VCF-style (leftmost placement, unchanged base first): chr13-21287820-GC-G. GRCh37 (hg19) VCF-style: chr13-21861959-GC-G.
Other names: c.263delG, p.Ser88Thrfs (NM_001386440.1, NM_001386441.1, NM_001386442.1).
Identifiers: ClinVar variation 2643671 (VCV002643671.23), dbSNP rs575900898, ClinGen allele CA246839362.

ClinVar aggregate classification (germline): Likely benign (1 of 4 stars; one submission).

Allele frequency attached by ClinVar (database versions not stated): 1000 Genomes Project 30x 0.00219; 1000 Genomes Project 0.00260; TOPMed 0.00479; gnomAD 0.00519; gnomAD exomes 0.00795.

Submission:

CeGaT Center for Human Genetics Tuebingen
Classification: Likely benign. Last evaluated: 2023-01-01. Review status: criteria provided, single submitter. Criteria: CeGaT Center For Human Genetics Tuebingen Variant Classification Criteria Version 2. Collection method: clinical testing. Allele origin: germline. Affected: yes. Observed: 1 variant allele.
Comment: ESRRAP2: BS2